The following is an entry in ClinVar:

ClinVar aggregate classification (germline): Uncertain significance (1 of 4 stars; one submission).

Conditions:
Neurodevelopmental disorder, mitochondrial, with abnormal movements and lactic acidosis, with or without seizures. Identifiers: Orphanet 572798, MedGen C4540192, MONDO:0060578, OMIM 617710.

Submission:

3billion
Classification: Uncertain significance for Neurodevelopmental disorder, mitochondrial, with abnormal movements and lactic acidosis, with or without seizures. Last evaluated: 2025-05-25. Review status: criteria provided, single submitter. Criteria: ACMG Guidelines, 2015. Collection method: clinical testing. Allele origin: germline. Affected: yes.
Comment: The variant is not observed in the gnomAD v4.1.0 dataset. Predicted Consequence/Location: Missense variant In silico tool predictions suggest damaging effect of the variant on gene or gene product [REVEL: 0.81 (>=0.6, sensitivity 0.68 and specificity 0.92); 3Cnet: 0.78 (> 0.75, sensitivity 0.96 and precision 0.92)]. Therefore, this variant is classified as VUS according to the recommendation of ACMG/AMP guideline.

NM_015836.4(WARS2):c.471_472delinsAT (p.Leu158Phe)

Gene: WARS2 (tryptophanyl tRNA synthetase 2, mitochondrial; minus strand). Cytogenetic location: 1p12.
Variant type: Indel.
Coding change: c.471_472delinsAT on transcript NM_015836.4 (MANE Select); coding-DNA positions 471 to 472, GC replaced by AT.
Protein change: p.Leu158Phe; replaces leucine 158 with phenylalanine.
Molecular consequence: missense variant. On other transcripts: intron variant (1).
Genome position (GRCh38, 1-based): chr1:119,042,307-119,042,308, GC replaced by AT on the plus strand (GC replaced by AT on the coding strand, the reverse complement: WARS2 is on the minus strand). VCF-style: chr1-119042307-GC-AT. GRCh37 (hg19) VCF-style: chr1-119584930-GC-AT.
Other names: c.402_403delinsAT, p.Leu135Phe (NM_001378226.1, NM_001378227.1); c.300_301delinsAT, p.Leu101Phe (NM_001378228.1); c.213_214delinsAT, p.Leu72Phe (NM_001378229.1); c.189_190delinsAT, p.Leu64Phe (NM_001378230.1); c.471_472delinsAT, p.Leu158Phe (NM_201263.2); c.429+3274_429+3275delinsAT (NM_001378231.1); short protein forms L101F, L135F, L158F, L64F, L72F.
Identifiers: ClinVar variation 4854442 (VCV004854442.1).